The following is an entry in ClinVar:

NM_012469.4(PRPF6):c.1172G>A (p.Arg391Gln)

Gene: PRPF6 (pre-mRNA processing factor 6; plus strand). Cytogenetic location: 20q13.33.
Variant type: single nucleotide variant.
Coding change: c.1172G>A on transcript NM_012469.4 (MANE Select); coding-DNA position 1172, G replaced by A.
Protein change: p.Arg391Gln; replaces arginine 391 with glutamine.
Molecular consequence: missense variant.
Genome position (GRCh38, 1-based): chr20:64,001,225, G>A. VCF-style: chr20-64001225-G-A. GRCh37 (hg19) VCF-style: chr20-62632578-G-A.
Other names: short protein forms R391Q.
Identifiers: ClinVar variation 3687147 (VCV003687147.3).

ClinVar aggregate classification (germline): Uncertain significance. Review status: criteria provided, multiple submitters, no conflicts (2 of 4 stars). 2 submissions from 2 submitters: Uncertain significance (2). Last evaluated 2024-02-23.

Conditions:
Retinitis pigmentosa 60 (RP60). Also called: PRPF 6-Related Retinitis Pigmentosa. Identifiers: Orphanet 791, MedGen C3151434, MONDO:0013516, OMIM 613983.

gnomAD v4.1: 5 of 1,614,190 alleles (0.00031%); highest among the groups gnomAD compares: Admixed American, 0.0017%; no homozygotes.

Submissions (2):

Labcorp Genetics (formerly Invitae), Labcorp
Classification: Uncertain significance. Last evaluated: 2024-02-23. Review status: criteria provided, single submitter. Criteria: Invitae Variant Classification Sherloc (09022015). Collection method: clinical testing. Allele origin: germline.
Comment: This sequence change replaces arginine, which is basic and polar, with glutamine, which is neutral and polar, at codon 391 of the PRPF6 protein (p.Arg391Gln). This variant is present in population databases (no rsID available, gnomAD 0.004%). This variant has not been reported in the literature in individuals affected with PRPF6-related conditions. Advanced modeling of protein sequence and biophysical properties (such as structural, functional, and spatial information, amino acid conservation, physicochemical variation, residue mobility, and thermodynamic stability) performed at Invitae indicates that this missense variant is not expected to disrupt PRPF6 protein function with a negative predictive value of 80%. In summary, the available evidence is currently insufficient to determine the role of this variant in disease. Therefore, it has been classified as a Variant of Uncertain Significance.

Genetics Laboratory, Department of Biology, Semnan University
Classification: Uncertain significance for Retinitis pigmentosa 60. Last evaluated: 2018-02-07. Review status: criteria provided, single submitter. Criteria: ACMG Guidelines, 2015. Collection method: research. Allele origin: germline. Inheritance: Autosomal dominant inheritance. Affected: yes. Observed: 1 variant allele, 1 heterozygote.
Comment: The identified variant leads to the substitution of Arginine 391 with Glutamine (R391Q) in the PRPF6 protein. Hence, this substitution could alter the amino acid sequence and could leads to a decreased function of mutated protein.

Literature cited by the submitters: DOI 10.1002/ccr3.71783 (cited by Genetics Laboratory, Department of Biology, Semnan University).